The following is an entry in ClinVar:

NM_018026.4(PACS1):c.892G>A (p.Gly298Arg)

Gene: PACS1 (phosphofurin acidic cluster sorting protein 1; plus strand). Cytogenetic location: 11q13.2.
Variant type: single nucleotide variant.
Coding change: c.892G>A on transcript NM_018026.4 (MANE Select); coding-DNA position 892, G replaced by A.
Protein change: p.Gly298Arg; replaces glycine 298 with arginine.
Molecular consequence: missense variant.
Genome position (GRCh38, 1-based): chr11:66,216,606, G>A. VCF-style: chr11-66216606-G-A. GRCh37 (hg19) VCF-style: chr11-65984077-G-A.
Other names: short protein forms G298R.
Identifiers: ClinVar variation 3705166 (VCV003705166.2).

ClinVar aggregate classification (germline): Uncertain significance (1 of 4 stars; one submission).

Conditions:
Schuurs-Hoeijmakers syndrome. Also called: PACS1-Related Neurodevelopmental Disorder. Identifiers: Orphanet 329224, MedGen C3554343, MONDO:0014006, OMIM 615009.

gnomAD v4.1: 4 of 1,613,350 alleles (0.00025%); highest among the groups gnomAD compares: Non-Finnish European, 0.00034%; no homozygotes.

Submission:

Labcorp Genetics (formerly Invitae), Labcorp
Classification: Uncertain significance for Schuurs-Hoeijmakers syndrome. Last evaluated: 2024-03-17. Review status: criteria provided, single submitter. Criteria: Invitae Variant Classification Sherloc (09022015). Collection method: clinical testing. Allele origin: germline.
Comment: This sequence change replaces glycine, which is neutral and non-polar, with arginine, which is basic and polar, at codon 298 of the PACS1 protein (p.Gly298Arg). This variant is not present in population databases (gnomAD no frequency). This variant has not been reported in the literature in individuals affected with PACS1-related conditions. Advanced modeling of protein sequence and biophysical properties (such as structural, functional, and spatial information, amino acid conservation, physicochemical variation, residue mobility, and thermodynamic stability) performed at Invitae indicates that this missense variant is not expected to disrupt PACS1 protein function with a negative predictive value of 80%. In summary, the available evidence is currently insufficient to determine the role of this variant in disease. Therefore, it has been classified as a Variant of Uncertain Significance.